The following is an entry in ClinVar:

ClinVar aggregate classification (germline): Uncertain significance (1 of 4 stars; one submission).

Conditions:
Early-infantile DEE. Also called: Early infantile epileptic encephalopathy; Ohtahara syndrome; Early infantile epileptic encephalopathy with suppression bursts. Identifiers: Orphanet 1934, MedGen C0393706, MONDO:0800491.

Allele frequency attached by ClinVar (database versions not stated): gnomAD 0.00001.
gnomAD v4.1: 81 of 1,610,432 alleles (0.005%); highest among the groups gnomAD compares: Non-Finnish European, 0.0069%; no homozygotes.

Submission:

Labcorp Genetics (formerly Invitae), Labcorp
Classification: Uncertain significance for Early-infantile DEE. Last evaluated: 2023-12-22. Review status: criteria provided, single submitter. Criteria: Invitae Variant Classification Sherloc (09022015). Collection method: clinical testing. Allele origin: germline.
Comment: This sequence change replaces aspartic acid, which is acidic and polar, with asparagine, which is neutral and polar, at codon 289 of the ARHGEF15 protein (p.Asp289Asn). This variant is present in population databases (rs114472686, gnomAD 0.002%). This variant has not been reported in the literature in individuals affected with ARHGEF15-related conditions. ClinVar contains an entry for this variant (Variation ID: 947304). An algorithm developed to predict the effect of missense changes on protein structure and function (PolyPhen-2) suggests that this variant is likely to be tolerated. In summary, the available evidence is currently insufficient to determine the role of this variant in disease. Therefore, it has been classified as a Variant of Uncertain Significance.

NM_173728.4(ARHGEF15):c.865G>A (p.Asp289Asn)

Gene: ARHGEF15 (Rho guanine nucleotide exchange factor 15; plus strand). Cytogenetic location: 17p13.1.
Variant type: single nucleotide variant.
Coding change: c.865G>A on transcript NM_173728.4 (MANE Select); coding-DNA position 865, G replaced by A.
Protein change: p.Asp289Asn; replaces aspartic acid 289 with asparagine.
Molecular consequence: missense variant.
Genome position (GRCh38, 1-based): chr17:8,313,185, G>A. VCF-style: chr17-8313185-G-A. GRCh37 (hg19) VCF-style: chr17-8216503-G-A.
Other names: c.865G>A, p.Asp289Asn (NM_025014.2); short protein forms D289N.
Identifiers: ClinVar variation 947304 (VCV000947304.9), dbSNP rs114472686, ClinGen allele CA8375007.